The following is an entry in ClinVar:

ClinVar aggregate classification (germline): Uncertain significance (1 of 4 stars; one submission).

gnomAD v4.1: 2 of 1,608,946 alleles (0.00012%); no homozygotes.

Submission:

Women's Health and Genetics/Laboratory Corporation of America, LabCorp
Classification: Uncertain significance. Last evaluated: 2025-12-09. Review status: criteria provided, single submitter. Criteria: LabCorp Variant Classification Summary - May 2015. Collection method: clinical testing. Allele origin: germline.
Comment: Variant summary: AUTS2 c.1705A>G (p.Thr569Ala) results in a non-conservative amino acid change in the encoded protein sequence. Algorithms developed to predict the effect of missense changes on protein structure and function are either unavailable or do not agree on the potential impact of this missense change. The variant allele was found at a frequency of 8.2e-06 in 245132 control chromosomes. The available data on variant occurrences in the general population are insufficient to allow any conclusion about variant significance. To our knowledge, no occurrence of c.1705A>G in individuals affected with AUTS2-related conditions and no experimental evidence demonstrating its impact on protein function have been reported. No submitters have cited clinical-significance assessments for this variant to ClinVar. Based on the evidence outlined above, the variant was classified as uncertain significance.

NM_015570.4(AUTS2):c.1705A>G (p.Thr569Ala)

Gene: AUTS2 (activator of transcription and developmental regulator AUTS2; plus strand). Cytogenetic location: 7q11.22.
Variant type: single nucleotide variant.
Coding change: c.1705A>G on transcript NM_015570.4 (MANE Select); coding-DNA position 1705, A replaced by G.
Protein change: p.Thr569Ala; replaces threonine 569 with alanine.
Molecular consequence: missense variant.
Genome position (GRCh38, 1-based): chr7:70,768,039, A>G. VCF-style: chr7-70768039-A-G. GRCh37 (hg19) VCF-style: chr7-70233025-A-G.
Other names: c.1705A>G, p.Thr569Ala (NM_001127231.3); short protein forms T569A.
Identifiers: ClinVar variation 4688447 (VCV004688447.1).